The following is an entry in ClinVar:

ClinVar aggregate classification (germline): Uncertain significance. Review status: criteria provided, multiple submitters, no conflicts (2 of 4 stars). 2 submissions from 2 submitters: Uncertain significance (2). Last evaluated 2025-08-02.

Conditions:
Inborn genetic diseases. Identifiers: MedGen C0950123, MeSH D030342.

Submissions (2):

Ambry Genetics
Classification: Uncertain significance for Inborn genetic diseases. Last evaluated: 2025-08-02. Review status: criteria provided, single submitter. Criteria: Ambry Variant Classification Scheme 2023. Collection method: clinical testing. Allele origin: germline.
Comment: The p.P63T variant (also known as c.187C>A), located in coding exon 2 of the MBD4 gene, results from a C to A substitution at nucleotide position 187. The proline at codon 63 is replaced by threonine, an amino acid with highly similar properties. This amino acid position is conserved. In addition, this alteration is predicted to be tolerated by in silico analysis. Based on the available evidence, the clinical significance of this variant remains unclear.

Labcorp Genetics (formerly Invitae), Labcorp
Classification: Uncertain significance. Last evaluated: 2025-02-09. Review status: criteria provided, single submitter. Criteria: Invitae Variant Classification Sherloc (09022015). Collection method: clinical testing. Allele origin: germline.
Comment: This sequence change replaces proline, which is neutral and non-polar, with threonine, which is neutral and polar, at codon 63 of the MBD4 protein (p.Pro63Thr). This variant is not present in population databases (gnomAD no frequency). This variant has not been reported in the literature in individuals affected with MBD4-related conditions. An algorithm developed to predict the effect of missense changes on protein structure and function outputs the following: PolyPhen-2: "Benign". The threonine amino acid residue is found in multiple mammalian species, which suggests that this missense change does not adversely affect protein function. In summary, the available evidence is currently insufficient to determine the role of this variant in disease. Therefore, it has been classified as a Variant of Uncertain Significance.

NM_001276270.2(MBD4):c.187C>A (p.Pro63Thr)

Gene: MBD4 (methyl-CpG binding domain 4, DNA glycosylase; minus strand). Cytogenetic location: 3q21.3.
Variant type: single nucleotide variant.
Coding change: c.187C>A on transcript NM_001276270.2 (MANE Select); coding-DNA position 187, C replaced by A.
Protein change: p.Pro63Thr; replaces proline 63 with threonine.
Molecular consequence: missense variant.
Genome position (GRCh38, 1-based): chr3:129,437,868, G>T on the plus strand (C>A on the coding strand, the complement: MBD4 is on the minus strand). VCF-style: chr3-129437868-G-T. GRCh37 (hg19) VCF-style: chr3-129156711-G-T.
Other names: c.187C>A, p.Pro63Thr (NM_001276271.2, NM_001276272.2, NM_001276273.2 and 1 more transcripts); short protein forms P63T.
Identifiers: ClinVar variation 4104634 (VCV004104634.2).
Genomic context (GRCh38, chr3:129,437,868, plus strand): 5'-GGCATTCTGTTCCTGCAGTAGCACCAAACTGAGCAGAAGCGATGGGTTCTTGTAGCAAGG[G>T]ATTACATTCACTGCTTCTTTTTATCATCATTTGTTCCTCATCTTCTCCCACTCTTTCCAA-3'
Protein context (NP_001263199.1, residues 53-73): MMIKRSSECN[Pro63Thr]LLQEPIASAQ